The following is an entry in ClinVar:

NM_032578.4(MYPN):c.1797C>T (p.His599=)

Gene: MYPN (myopalladin; plus strand). Cytogenetic location: 10q21.3.
Variant type: single nucleotide variant.
Coding change: c.1797C>T on transcript NM_032578.4 (MANE Select); coding-DNA position 1797, C replaced by T.
Protein change: p.His599=; no amino-acid change (histidine 599 retained).
Molecular consequence: synonymous variant. On other transcripts: non-coding transcript variant (2).
Genome position (GRCh38, 1-based): chr10:68,166,490, C>T. VCF-style: chr10-68166490-C-T. GRCh37 (hg19) VCF-style: chr10-69926247-C-T.
Other names: c.1797C>T, p.His599= (NM_001256267.2); c.915C>T, p.His305= (NM_001256268.2); c.1797C>T (NM_032578.3).
Identifiers: ClinVar variation 520343 (VCV000520343.13), dbSNP rs757346980, ClinGen allele CA5522659.

ClinVar aggregate classification (germline): Likely benign. Review status: criteria provided, multiple submitters, no conflicts (2 of 4 stars). 3 submissions from 3 submitters: Likely benign (3). Last evaluated 2025-03-30.

Conditions:
Dilated cardiomyopathy 1KK (CMD1KK). Identifiers: Orphanet 154, Orphanet 75249, MedGen C3714995, MONDO:0014100, OMIM 615248.
MYPN-related disorder. Also called: MYPN-related condition.
Cardiovascular phenotype. Identifiers: MedGen CN230736.

Allele frequency attached by ClinVar (database versions not stated): gnomAD exomes below 0.00001 and 0.00001; gnomAD 0.00001; ExAC 0.00002; TOPMed 0.00003.
gnomAD v4.1: 7 of 1,614,034 alleles (0.00043%); highest among the groups gnomAD compares: African/African-American, 0.0093%; no homozygotes.

Submissions (3):

PreventionGenetics, part of Exact Sciences
Classification: Likely benign for MYPN-related condition. Last evaluated: 2025-03-30. Review status: criteria provided, single submitter. Criteria: ACMG Guidelines, 2015. Collection method: clinical testing. Allele origin: germline.
Comment: This variant is classified as likely benign based on ACMG/AMP sequence variant interpretation guidelines (Richards et al. 2015 PMID: 25741868, with internal and published modifications).

Labcorp Genetics (formerly Invitae), Labcorp
Classification: Likely benign for Dilated cardiomyopathy 1KK. Last evaluated: 2024-03-02. Review status: criteria provided, single submitter. Criteria: Invitae Variant Classification Sherloc (09022015). Collection method: clinical testing. Allele origin: germline.

Ambry Genetics
Classification: Likely benign for Cardiovascular phenotype. Last evaluated: 2017-03-02. Review status: criteria provided, single submitter. Criteria: Ambry Variant Classification Scheme 2023. Collection method: clinical testing. Allele origin: germline.